The following is an entry in ClinVar:

ClinVar aggregate classification (germline): Uncertain significance (1 of 4 stars; one submission).

Conditions:
Familial thoracic aortic aneurysm and aortic dissection (TAAD). Also called: Thoracic aortic aneurysms and dissections. Identifiers: Orphanet 91387, MedGen C4707243, MONDO:0019625.

Submission:

Color Diagnostics, LLC DBA Color Health
Classification: Uncertain significance for Familial thoracic aortic aneurysm and aortic dissection. Last evaluated: 2023-12-04. Review status: criteria provided, single submitter. Criteria: ACMG Guidelines, 2015. Collection method: clinical testing. Allele origin: germline.
Comment: This missense variant replaces methionine with isoleucine at codon 1714 of the FBN1 protein. Computational prediction tools and conservation analyses are inconclusive regarding the impact of this variant on the protein function. Computational splicing tools suggest that this variant may not impact RNA splicing. To our knowledge, functional assays have not been performed for this variant nor has this variant been reported in individuals affected with cardiovascular disorders in the literature. This variant has not been identified in the general population by the Genome Aggregation Database (gnomAD). Available evidence is insufficient to determine the role of this variant in disease conclusively. Therefore, this variant is classified as a Variant of Uncertain Significance.

NM_000138.5(FBN1):c.5142G>C (p.Met1714Ile)

Gene: FBN1 (fibrillin 1; minus strand). Cytogenetic location: 15q21.1.
Variant type: single nucleotide variant.
Coding change: c.5142G>C on transcript NM_000138.5 (MANE Select); coding-DNA position 5142, G replaced by C.
Protein change: p.Met1714Ile; replaces methionine 1714 with isoleucine.
Molecular consequence: missense variant.
Genome position (GRCh38, 1-based): chr15:48,463,164, C>G on the plus strand (G>C on the coding strand, the complement: FBN1 is on the minus strand). VCF-style: chr15-48463164-C-G. GRCh37 (hg19) VCF-style: chr15-48755361-C-G.
Other names: short protein forms M1714I.
Identifiers: ClinVar variation 921816 (VCV000921816.5), dbSNP rs368287795, ClinGen allele CA392349211.